The following is an entry in ClinVar:

NM_000143.4(FH):c.497G>A (p.Gly166Glu)

Gene: FH (fumarate hydratase; minus strand). Cytogenetic location: 1q43.
Variant type: single nucleotide variant.
Coding change: c.497G>A on transcript NM_000143.4 (MANE Select); coding-DNA position 497, G replaced by A.
Protein change: p.Gly166Glu; replaces glycine 166 with glutamic acid.
Molecular consequence: missense variant.
Genome position (GRCh38, 1-based): chr1:241,512,025, C>T on the plus strand (G>A on the coding strand, the complement: FH is on the minus strand). VCF-style: chr1-241512025-C-T. GRCh37 (hg19) VCF-style: chr1-241675325-C-T.
Other names: short protein forms G166E.
Identifiers: ClinVar variation 566616 (VCV000566616.7), dbSNP rs746612719, ClinGen allele CA40331862.

ClinVar aggregate classification (germline): Uncertain significance. Review status: criteria provided, multiple submitters, no conflicts (2 of 4 stars). 2 submissions from 2 submitters: Uncertain significance (2). Last evaluated 2024-12-13.

Conditions:
Hereditary cancer-predisposing syndrome. Also called: Neoplastic Syndromes, Hereditary; Tumor predisposition; Hereditary neoplastic syndrome; Hereditary Cancer Syndrome. Identifiers: Orphanet 140162, MedGen C0027672, MeSH D009386, MONDO:0015356.

Allele frequency attached by ClinVar (database versions not stated): gnomAD exomes 0.00001.
gnomAD v4.1: 8 of 1,613,988 alleles (0.0005%); highest among the groups gnomAD compares: Non-Finnish European, 0.00068%; no homozygotes.

Submissions (2):

Ambry Genetics
Classification: Uncertain significance for Hereditary cancer-predisposing syndrome. Last evaluated: 2024-12-13. Review status: criteria provided, single submitter. Criteria: Ambry Variant Classification Scheme 2023. Collection method: clinical testing. Allele origin: germline.
Comment: The p.G166E variant (also known as c.497G>A), located in coding exon 4 of the FH gene, results from a G to A substitution at nucleotide position 497. The glycine at codon 166 is replaced by glutamic acid, an amino acid with similar properties. This amino acid position is highly conserved in available vertebrate species. In addition, this alteration is predicted to be deleterious by in silico analysis. Based on the available evidence, the clinical significance of this variant remains unclear.

Labcorp Genetics (formerly Invitae), Labcorp
Classification: Uncertain significance. Last evaluated: 2021-09-18. Review status: criteria provided, single submitter. Criteria: Invitae Variant Classification Sherloc (09022015). Collection method: clinical testing. Allele origin: germline.
Comment: This sequence change replaces glycine with glutamic acid at codon 166 of the FH protein (p.Gly166Glu). The glycine residue is highly conserved and there is a moderate physicochemical difference between glycine and glutamic acid. This variant is not present in population databases (ExAC no frequency). This missense change has been observed in individual(s) with pheochromocytoma (PMID: 30877234). ClinVar contains an entry for this variant (Variation ID: 566616). Advanced modeling of protein sequence and biophysical properties (such as structural, functional, and spatial information, amino acid conservation, physicochemical variation, residue mobility, and thermodynamic stability) performed at Invitae indicates that this missense variant is expected to disrupt FH protein function. In summary, the available evidence is currently insufficient to determine the role of this variant in disease. Therefore, it has been classified as a Variant of Uncertain Significance.

Literature cited by the submitters: PubMed 30877234 (cited by Labcorp Genetics (formerly Invitae), Labcorp).